The following is an entry in ClinVar:

ClinVar aggregate classification (germline): Uncertain significance. Review status: criteria provided, multiple submitters, no conflicts (2 of 4 stars). 2 submissions from 2 submitters: Uncertain significance (2). Last evaluated 2025-04-16.

Allele frequency attached by ClinVar (database versions not stated): TOPMed 0.00002; gnomAD 0.00003; ExAC 0.00007.

Submissions (2):

Labcorp Genetics (formerly Invitae), Labcorp
Classification: Uncertain significance. Last evaluated: 2025-04-16. Review status: criteria provided, single submitter. Criteria: Invitae Variant Classification Sherloc (09022015). Collection method: clinical testing. Allele origin: germline.
Comment: This sequence change replaces alanine, which is neutral and non-polar, with threonine, which is neutral and polar, at codon 307 of the SIX5 protein (p.Ala307Thr). This variant is present in population databases (rs751921163, gnomAD 0.01%). This variant has not been reported in the literature in individuals affected with SIX5-related conditions. ClinVar contains an entry for this variant (Variation ID: 2191559). Invitae Evidence Modeling of protein sequence and biophysical properties (such as structural, functional, and spatial information, amino acid conservation, physicochemical variation, residue mobility, and thermodynamic stability) indicates that this missense variant is not expected to disrupt SIX5 protein function with a negative predictive value of 80%. In summary, the available evidence is currently insufficient to determine the role of this variant in disease. Therefore, it has been classified as a Variant of Uncertain Significance.

Ambry Genetics
Classification: Uncertain significance. Last evaluated: 2023-05-31. Review status: criteria provided, single submitter. Criteria: Ambry Variant Classification Scheme 2023. Collection method: clinical testing. Allele origin: germline.

NM_175875.5(SIX5):c.919G>A (p.Ala307Thr)

Genes: SIX5 (SIX homeobox 5; minus strand), LOC107075317 (origin of replication in DMPK trinucleotide repeat region; plus strand). Cytogenetic location: 19q13.32.
Variant type: single nucleotide variant.
Coding change: c.919G>A on transcript NM_175875.5 (MANE Select); coding-DNA position 919, G replaced by A.
Protein change: p.Ala307Thr; replaces alanine 307 with threonine.
Molecular consequence: missense variant.
Genome position (GRCh38, 1-based): chr19:45,767,040, C>T on the plus strand (G>A on the coding strand, the complement: SIX5 is on the minus strand). VCF-style: chr19-45767040-C-T. GRCh37 (hg19) VCF-style: chr19-46270298-C-T.
Other names: c.919G>A (NM_175875.4); short protein forms A307T.
Identifiers: ClinVar variation 2191559 (VCV002191559.6), dbSNP rs751921163, ClinGen allele CA9520725.